The following is an entry in ClinVar:

NM_015175.3(NBEAL2):c.6318C>T (p.Tyr2106=)

Gene: NBEAL2 (neurobeachin like 2; plus strand). Cytogenetic location: 3p21.31.
Variant type: single nucleotide variant.
Coding change: c.6318C>T on transcript NM_015175.3 (MANE Select); coding-DNA position 6318, C replaced by T.
Protein change: p.Tyr2106=; no amino-acid change (tyrosine 2106 retained).
Molecular consequence: synonymous variant.
Genome position (GRCh38, 1-based): chr3:47,004,995, C>T. VCF-style: chr3-47004995-C-T. GRCh37 (hg19) VCF-style: chr3-47046485-C-T.
Other names: p.Tyr2106=; c.6216C>T, p.Tyr2072= (NM_001365116.2).
Identifiers: ClinVar variation 345679 (VCV000345679.41), dbSNP rs141569354, ClinGen allele CA2361829.

ClinVar aggregate classification (germline): Benign/Likely benign. Review status: criteria provided, multiple submitters, no conflicts (2 of 4 stars). 7 submissions from 7 submitters: Benign (5); Likely benign (2). Last evaluated 2026-09-01.

Conditions:
Gray platelet syndrome (GPS). Also called: BLEEDING DISORDER, PLATELET-TYPE, 4. Identifiers: Orphanet 721, MedGen C0272302, MONDO:0007686, OMIM 139090.

Allele frequency attached by ClinVar (database versions not stated): 1000 Genomes Project 30x 0.00297; 1000 Genomes Project 0.00300; gnomAD 0.00760 and 0.00844; gnomAD exomes 0.00797; TOPMed 0.00863; ESP Exome Variant Server 0.00878; ExAC 0.01092.
gnomAD v4.1: 17,694 of 1,610,230 alleles (1.1%); highest among the groups gnomAD compares: Non-Finnish European, 1.3%; 121 homozygotes.

Submissions (7):

CeGaT Center for Human Genetics Tuebingen
Classification: Benign. Last evaluated: 2026-09-01. Review status: criteria provided, single submitter. Criteria: CeGaT Center For Human Genetics Tuebingen Variant Classification Criteria Version 2. Collection method: clinical testing. Allele origin: germline. Affected: yes. Observed: 17 variant alleles.
Comment: NBEAL2: BP4, BP7, BS1, BS2

Labcorp Genetics (formerly Invitae), Labcorp
Classification: Benign. Last evaluated: 2026-01-09. Review status: criteria provided, single submitter. Criteria: Invitae Variant Classification Sherloc (09022015). Collection method: clinical testing. Allele origin: germline.

Mayo Clinic Laboratories, Mayo Clinic
Classification: Likely benign. Last evaluated: 2025-09-16. Review status: criteria provided, single submitter. Criteria: ACMG Guidelines, 2015. Collection method: clinical testing. Allele origin: germline. Observed: 9 variant alleles.
Comment: BS1, BP4_moderate, BP7

Blueprint Genetics
Classification: Likely benign. Last evaluated: 2024-11-25. Review status: criteria provided, single submitter. Criteria: ACMG Guidelines, 2015. Collection method: clinical testing. Allele origin: germline.

Illumina Laboratory Services, Illumina
Classification: Benign for Gray platelet syndrome. Last evaluated: 2018-01-13. Review status: criteria provided, single submitter. Criteria: ICSL Variant Classification Criteria 13 December 2019. Collection method: clinical testing. Allele origin: germline.
Comment: This variant was observed in the ICSL laboratory as part of a predisposition screen in an ostensibly healthy population. It had not been previously curated by ICSL or reported in the Human Gene Mutation Database (HGMD: prior to June 1st, 2018), and was therefore a candidate for classification through an automated scoring system. Utilizing variant allele frequency, disease prevalence and penetrance estimates, and inheritance mode, an automated score was calculated to assess if this variant is too frequent to cause the disease. Based on the score and internal cut-off values, a variant classified as benign is not then subjected to further curation. The score for this variant resulted in a classification of benign for this disease.

Genetic Services Laboratory, University of Chicago
Classification: Benign. Last evaluated: 2017-09-20. Review status: criteria provided, single submitter. Criteria: ACMG Guidelines, 2015. Collection method: clinical testing. Allele origin: germline. Affected: no.

Breakthrough Genomics
Classification: Benign. Review status: criteria provided, single submitter. Criteria: ACMG Guidelines, 2015. Collection method: not provided. Allele origin: germline. Inheritance: Autosomal recessive inheritance. Affected: yes.